The following is an entry in ClinVar:

NM_001142800.2(EYS):c.6065A>G (p.His2022Arg)

Gene: EYS (EGF-like photoreceptor maintenance factor; minus strand). Cytogenetic location: 6q12.
Variant type: single nucleotide variant.
Coding change: c.6065A>G on transcript NM_001142800.2 (MANE Select); coding-DNA position 6065, A replaced by G.
Protein change: p.His2022Arg; replaces histidine 2022 with arginine.
Molecular consequence: missense variant.
Genome position (GRCh38, 1-based): chr6:64,388,703, T>C on the plus strand (A>G on the coding strand, the complement: EYS is on the minus strand). VCF-style: chr6-64388703-T-C. GRCh37 (hg19) VCF-style: chr6-65098596-T-C.
Other names: c.6065A>G, p.His2022Arg (NM_001292009.2); short protein forms H2022R.
Identifiers: ClinVar variation 5003279 (VCV005003279.1).

ClinVar aggregate classification (germline): Uncertain significance (1 of 4 stars; one submission).

Conditions:
Retinitis pigmentosa 25 (RP25). Identifiers: Orphanet 791, MedGen C1864446, MONDO:0011272, OMIM 602772.

gnomAD v4.1: 13 of 1,534,008 alleles (0.00085%); highest among the groups gnomAD compares: South Asian, 0.013%; no homozygotes.

Submission:

Myriad Genetics, Inc.
Classification: Uncertain significance for Retinitis pigmentosa 25. Last evaluated: 2026-03-12. Review status: criteria provided, single submitter. Criteria: Myriad Autosomal Dominant, Autosomal Recessive and X-Linked Classification Criteria (2023). Collection method: clinical testing. Allele origin: unknown.
Comment: NM_001142800.1(EYS):c.6065A>G(H2022R) is a missense variant classified as a variant of uncertain significance in the context of retinitis pigmentosa, EYS-related. H2022R has been observed in a case with relevant disease (PMID: 24938718). Relevant functional assessments of this variant are not available in the literature. H2022R has been observed in referenced population frequency databases. In summary, there is insufficient evidence to classify NM_001142800.1(EYS):c.6065A>G(H2022R) as pathogenic or benign. Please note: this variant was assessed in the context of healthy population screening.

Literature cited by the submitters: PubMed 24938718.